The following is an entry in ClinVar:

NM_005732.4(RAD50):c.1549A>T (p.Thr517Ser)

Gene: RAD50 (RAD50 double strand break repair protein; plus strand). Cytogenetic location: 5q31.1.
Variant type: single nucleotide variant.
Coding change: c.1549A>T on transcript NM_005732.4 (MANE Select); coding-DNA position 1549, A replaced by T.
Protein change: p.Thr517Ser; replaces threonine 517 with serine.
Molecular consequence: missense variant.
Genome position (GRCh38, 1-based): chr5:132,591,320, A>T. VCF-style: chr5-132591320-A-T. GRCh37 (hg19) VCF-style: chr5-131927012-A-T.
Other names: short protein forms T517S.
Identifiers: ClinVar variation 1009094 (VCV001009094.9), dbSNP rs1750693730, ClinGen allele CA360945857.

ClinVar aggregate classification (germline): Uncertain significance (1 of 4 stars; one submission).

Conditions:
Hereditary cancer-predisposing syndrome. Also called: Tumor predisposition; Hereditary neoplastic syndrome; Neoplastic Syndromes, Hereditary; Hereditary Cancer Syndrome. Identifiers: Orphanet 140162, MedGen C0027672, MeSH D009386, MONDO:0015356.

Submission:

Labcorp Genetics (formerly Invitae), Labcorp
Classification: Uncertain significance for Hereditary cancer-predisposing syndrome. Last evaluated: 2020-03-04. Review status: criteria provided, single submitter. Criteria: Invitae Variant Classification Sherloc (09022015). Collection method: clinical testing. Allele origin: germline.
Comment: In summary, the available evidence is currently insufficient to determine the role of this variant in disease. Therefore, it has been classified as a Variant of Uncertain Significance. Algorithms developed to predict the effect of sequence changes on RNA splicing suggest that this variant may create or strengthen a splice site, but this prediction has not been confirmed by published transcriptional studies. Algorithms developed to predict the effect of missense changes on protein structure and function output the following: SIFT: "Tolerated"; PolyPhen-2: "Benign"; Align-GVGD: "Class C0". The serine amino acid residue is found in multiple mammalian species, suggesting that this missense change does not adversely affect protein function. These predictions have not been confirmed by published functional studies and their clinical significance is uncertain. This variant has not been reported in the literature in individuals with RAD50-related conditions. This variant is not present in population databases (ExAC no frequency). This sequence change replaces threonine with serine at codon 517 of the RAD50 protein (p.Thr517Ser). The threonine residue is weakly conserved and there is a small physicochemical difference between threonine and serine.